The following is an entry in ClinVar:

ClinVar aggregate classification (germline): Pathogenic (1 of 4 stars; one submission).

Conditions:
Hereditary breast ovarian cancer syndrome. Also called: Hereditary breast and ovarian cancer syndrome; Hereditary breast and ovarian cancer; Hereditary breast and ovarian cancer syndrome (HBOC); Breast and ovarian cancer; Hereditary breast and/or ovarian cancer syndrome; BRCA1- and BRCA2-Associated Hereditary Breast and Ovarian Cancer. Identifiers: Orphanet 145, MedGen C0677776, MeSH D061325, MONDO:0003582. Disease mechanism: loss of function.

Submission:

Labcorp Genetics (formerly Invitae), Labcorp
Classification: Pathogenic for Hereditary breast ovarian cancer syndrome. Last evaluated: 2023-10-15. Review status: criteria provided, single submitter. Criteria: Invitae Variant Classification Sherloc (09022015). Collection method: clinical testing. Allele origin: unknown.
Comment: This variant is a gross deletion of the genomic region encompassing exon(s) 10-11 of the BRCA1 gene. This deletion is out-of-frame, and is expected to create a premature termination codon and result in an absent or disrupted protein product. Loss-of-function variants in BRCA1 are known to be pathogenic (PMID: 20104584). This variant has not been reported in the literature in individuals affected with BRCA1-related conditions. For these reasons, this variant has been classified as Pathogenic.

Literature cited by the submitters: PubMed 20104584.

NC_000017.10:g.(?_41242664)_(41246581_?)del

Gene: BRCA1 (BRCA1 DNA repair associated; minus strand). Cytogenetic location: 17q21.31.
Variant type: Deletion.
Identifiers: ClinVar variation 3243016 (VCV003243016.1).